The following is an entry in ClinVar:

ClinVar aggregate classification (germline): Uncertain significance (1 of 4 stars; one submission).

Allele frequency attached by ClinVar (database versions not stated): TOPMed below 0.00001; ExAC 0.00001; gnomAD 0.00001.
gnomAD v4.1: 7 of 1,613,912 alleles (0.00043%); highest among the groups gnomAD compares: Non-Finnish European, 0.00059%; no homozygotes.

Submission:

Labcorp Genetics (formerly Invitae), Labcorp
Classification: Uncertain significance. Last evaluated: 2025-04-03. Review status: criteria provided, single submitter. Criteria: Invitae Variant Classification Sherloc (09022015). Collection method: clinical testing. Allele origin: germline.
Comment: This sequence change replaces proline, which is neutral and non-polar, with leucine, which is neutral and non-polar, at codon 409 of the ACAN protein (p.Pro409Leu). This variant is present in population databases (rs200227191, gnomAD 0.003%). This variant has not been reported in the literature in individuals affected with ACAN-related conditions. ClinVar contains an entry for this variant (Variation ID: 1986390). Invitae Evidence Modeling of protein sequence and biophysical properties (such as structural, functional, and spatial information, amino acid conservation, physicochemical variation, residue mobility, and thermodynamic stability) indicates that this missense variant is not expected to disrupt ACAN protein function with a negative predictive value of 80%. In summary, the available evidence is currently insufficient to determine the role of this variant in disease. Therefore, it has been classified as a Variant of Uncertain Significance.

NM_001369268.1(ACAN):c.1226C>T (p.Pro409Leu)

Gene: ACAN (aggrecan; plus strand). Cytogenetic location: 15q26.1.
Variant type: single nucleotide variant.
Coding change: c.1226C>T on transcript NM_001369268.1 (MANE Select); coding-DNA position 1226, C replaced by T.
Protein change: p.Pro409Leu; replaces proline 409 with leucine.
Molecular consequence: missense variant.
Genome position (GRCh38, 1-based): chr15:88,845,679, C>T. VCF-style: chr15-88845679-C-T. GRCh37 (hg19) VCF-style: chr15-89388910-C-T.
Other names: c.1226C>T, p.Pro409Leu (NM_001135.4, NM_001411096.1, NM_001411097.1 and 1 more transcripts); short protein forms P409L.
Identifiers: ClinVar variation 1986390 (VCV001986390.4), dbSNP rs200227191, ClinGen allele CA7719499.